The following is an entry in ClinVar:

NM_004279.3(PMPCB):c.1239T>C (p.Asp413=)

Gene: PMPCB (peptidase, mitochondrial processing subunit beta; plus strand). Cytogenetic location: 7q22.1.
Variant type: single nucleotide variant.
Coding change: c.1239T>C on transcript NM_004279.3 (MANE Select); coding-DNA position 1239, T replaced by C.
Protein change: p.Asp413=; no amino-acid change (aspartic acid 413 retained).
Molecular consequence: synonymous variant.
Genome position (GRCh38, 1-based): chr7:103,311,727, T>C. VCF-style: chr7-103311727-T-C. GRCh37 (hg19) VCF-style: chr7-102952174-T-C.
Identifiers: ClinVar variation 2797421 (VCV002797421.3), dbSNP rs776247487, ClinGen allele CA4418232.

ClinVar aggregate classification (germline): Uncertain significance (1 of 4 stars; one submission).

Allele frequency attached by ClinVar (database versions not stated): ExAC 0.00001.

Submission:

Labcorp Genetics (formerly Invitae), Labcorp
Classification: Uncertain significance. Last evaluated: 2023-06-09. Review status: criteria provided, single submitter. Criteria: Invitae Variant Classification Sherloc (09022015). Collection method: clinical testing. Allele origin: germline.
Comment: In summary, the available evidence is currently insufficient to determine the role of this variant in disease. Therefore, it has been classified as a Variant of Uncertain Significance. Algorithms developed to predict the effect of sequence changes on RNA splicing suggest that this variant may create or strengthen a splice site. This variant has not been reported in the literature in individuals affected with PMPCB-related conditions. This variant is present in population databases (rs776247487, gnomAD 0.0009%). This sequence change affects codon 413 of the PMPCB mRNA. It is a 'silent' change, meaning that it does not change the encoded amino acid sequence of the PMPCB protein. It affects a nucleotide within the consensus splice site.